The following is an entry in ClinVar:

ClinVar aggregate classification (germline): Uncertain significance (1 of 4 stars; one submission).

Conditions:
Epileptic encephalopathy. Identifiers: MedGen C0543888, HP:0200134.

Allele frequency attached by ClinVar (database versions not stated): gnomAD exomes 0.00001 and 0.00002; ExAC 0.00003.
gnomAD v4.1: 24 of 1,612,898 alleles (0.0015%); highest among the groups gnomAD compares: South Asian, 0.0066%; no homozygotes.

Submission:

Labcorp Genetics (formerly Invitae), Labcorp
Classification: Uncertain significance for Epileptic encephalopathy. Last evaluated: 2023-07-17. Review status: criteria provided, single submitter. Criteria: Invitae Variant Classification Sherloc (09022015). Collection method: clinical testing. Allele origin: germline.
Comment: Algorithms developed to predict the effect of missense changes on protein structure and function output the following: SIFT: "Not Available"; PolyPhen-2: "Benign"; Align-GVGD: "Not Available". The glutamic acid amino acid residue is found in multiple mammalian species, which suggests that this missense change does not adversely affect protein function. ClinVar contains an entry for this variant (Variation ID: 1399137). This variant has not been reported in the literature in individuals affected with FASN-related conditions. This variant is present in population databases (rs760683901, gnomAD 0.01%). This sequence change replaces glutamine, which is neutral and polar, with glutamic acid, which is acidic and polar, at codon 536 of the FASN protein (p.Gln536Glu). In summary, the available evidence is currently insufficient to determine the role of this variant in disease. Therefore, it has been classified as a Variant of Uncertain Significance.

NM_004104.5(FASN):c.1606C>G (p.Gln536Glu)

Gene: FASN (fatty acid synthase; minus strand). Cytogenetic location: 17q25.3.
Variant type: single nucleotide variant.
Coding change: c.1606C>G on transcript NM_004104.5 (MANE Select); coding-DNA position 1606, C replaced by G.
Protein change: p.Gln536Glu; replaces glutamine 536 with glutamic acid.
Molecular consequence: missense variant.
Genome position (GRCh38, 1-based): chr17:82,090,956, G>C on the plus strand (C>G on the coding strand, the complement: FASN is on the minus strand). VCF-style: chr17-82090956-G-C. GRCh37 (hg19) VCF-style: chr17-80048832-G-C.
Other names: short protein forms Q536E.
Identifiers: ClinVar variation 1399137 (VCV001399137.8), dbSNP rs760683901, ClinGen allele CA8853092.